The following is an entry in ClinVar:

NM_003560.4(PLA2G6):c.266C>A (p.Ser89Tyr)

Gene: PLA2G6 (phospholipase A2 group VI; minus strand). Cytogenetic location: 22q13.1.
Variant type: single nucleotide variant.
Coding change: c.266C>A on transcript NM_003560.4 (MANE Select); coding-DNA position 266, C replaced by A.
Protein change: p.Ser89Tyr; replaces serine 89 with tyrosine.
Molecular consequence: missense variant. On other transcripts: 5 prime UTR variant (3).
Genome position (GRCh38, 1-based): chr22:38,145,597, G>T on the plus strand (C>A on the coding strand, the complement: PLA2G6 is on the minus strand). VCF-style: chr22-38145597-G-T. GRCh37 (hg19) VCF-style: chr22-38541604-G-T.
Other names: c.266C>A, p.Ser89Tyr (NM_001004426.3, NM_001199562.3, NM_001349864.2 and 2 more transcripts); c.-269C>A (NM_001349867.2, NM_001349869.2); c.-225C>A (NM_001349868.2); short protein forms S89Y.
Identifiers: ClinVar variation 341648 (VCV000341648.56), dbSNP rs142715413, ClinGen allele CA10231302.

ClinVar aggregate classification (germline): Conflicting classifications of pathogenicity. Review status: criteria provided, conflicting classifications (1 of 4 stars). 5 submissions from 5 submitters: Uncertain significance (4); Likely benign (1). Last evaluated 2025-02-15.

Conditions:
Infantile neuroaxonal dystrophy (NBIA2A). Also called: SEITELBERGER DISEASE; NEURODEGENERATION WITH BRAIN IRON ACCUMULATION 2A; Infantile neuroaxonal dystrophy 1. Identifiers: Orphanet 35069, MedGen C0270724, MONDO:0024457, OMIM 256600.
Neurodegeneration with brain iron accumulation 2B. Also called: aNAD; atypical Neuroaxonal Dystrophy (aNAD); NEUROAXONAL DYSTROPHY, ATYPICAL; NEURODEGENERATION WITH BRAIN IRON ACCUMULATION, PLA2G6-RELATED. Identifiers: Orphanet 35069, MedGen C1857747, MONDO:0012444, OMIM 610217.
Autosomal recessive Parkinson disease 14. Also called: DYSTONIA-PARKINSONISM, ADULT-ONSET; PARKINSON DISEASE 14. Identifiers: Orphanet 199351, MedGen C2751842, MONDO:0013060, OMIM 612953.
PLA2G6-associated neurodegeneration (PLAN). Also called: phospholipase A2-associated neurodegeneration. Identifiers: Orphanet 329303, MedGen CN204472, MONDO:0017998.

Allele frequency attached by ClinVar (database versions not stated): TOPMed 0.00002; 1000 Genomes Project 30x 0.00062; 1000 Genomes Project 0.00080.
gnomAD v4.1: 166 of 1,613,836 alleles (0.01%); highest among the groups gnomAD compares: East Asian, 0.36%; 1 homozygote.

Submissions (5):

Labcorp Genetics (formerly Invitae), Labcorp
Classification: Likely benign for Infantile neuroaxonal dystrophy. Last evaluated: 2025-02-15. Review status: criteria provided, single submitter. Criteria: Invitae Variant Classification Sherloc (09022015). Collection method: clinical testing. Allele origin: germline.

GeneDx
Classification: Uncertain significance. Last evaluated: 2023-11-13. Review status: criteria provided, single submitter. Criteria: GeneDx Variant Classification Process June 2021. Collection method: clinical testing. Allele origin: germline. Affected: yes.
Comment: In silico analysis supports that this missense variant has a deleterious effect on protein structure/function; Has not been previously published as pathogenic or benign to our knowledge

Department of Pathology and Laboratory Medicine, Sinai Health System
Classification: Uncertain significance for Infantile neuroaxonal dystrophy; Neurodegeneration with brain iron accumulation 2B; Autosomal recessive Parkinson disease 14. Last evaluated: 2022-06-27. Review status: criteria provided, single submitter. Criteria: ACMG Guidelines, 2015. Collection method: research. Allele origin: germline.

Illumina Laboratory Services, Illumina
Classification: Uncertain significance for PLA2G6-associated neurodegeneration. Last evaluated: 2018-01-13. Review status: criteria provided, single submitter. Criteria: ICSL Variant Classification Criteria 13 December 2019. Collection method: clinical testing. Allele origin: germline.

CeGaT Center for Human Genetics Tuebingen
Classification: Uncertain significance. Last evaluated: 2016-12-01. Review status: criteria provided, single submitter. Criteria: CeGaT Center For Human Genetics Tuebingen Variant Classification Criteria Version 2. Collection method: clinical testing. Allele origin: germline. Affected: yes. Observed: 1 variant allele.